The following is an entry in ClinVar:

NM_000059.4(BRCA2):c.1505A>G (p.Lys502Arg)

Gene: BRCA2 (BRCA2 DNA repair associated; plus strand). Cytogenetic location: 13q13.1.
Variant type: single nucleotide variant.
Coding change: c.1505A>G on transcript NM_000059.4 (MANE Select); coding-DNA position 1505, A replaced by G.
Protein change: p.Lys502Arg; replaces lysine 502 with arginine.
Molecular consequence: missense variant.
Genome position (GRCh38, 1-based): chr13:32,332,983, A>G. VCF-style: chr13-32332983-A-G. GRCh37 (hg19) VCF-style: chr13-32907120-A-G.
Other names: short protein forms K502R.
Identifiers: ClinVar variation 819409 (VCV000819409.14), dbSNP rs990094915, ClinGen allele CA247497645.

ClinVar aggregate classification (germline): Conflicting classifications of pathogenicity. Review status: criteria provided, conflicting classifications (1 of 4 stars). 3 submissions from 3 submitters: Uncertain significance (1); Likely benign (2). Last evaluated 2025-11-17.

Conditions:
Hereditary breast ovarian cancer syndrome. Also called: Hereditary breast and ovarian cancer syndrome (HBOC); Breast and ovarian cancer; BRCA1- and BRCA2-Associated Hereditary Breast and Ovarian Cancer; Hereditary breast and/or ovarian cancer syndrome; Hereditary breast and ovarian cancer syndrome; Hereditary breast and ovarian cancer. Identifiers: Orphanet 145, MedGen C0677776, MeSH D061325, MONDO:0003582. Disease mechanism: loss of function.
Hereditary cancer-predisposing syndrome. Also called: Tumor predisposition; Hereditary neoplastic syndrome; Neoplastic Syndromes, Hereditary; Hereditary Cancer Syndrome. Identifiers: Orphanet 140162, MedGen C0027672, MeSH D009386, MONDO:0015356.

Submissions (3):

Labcorp Genetics (formerly Invitae), Labcorp
Classification: Uncertain significance for Hereditary breast ovarian cancer syndrome. Last evaluated: 2025-11-17. Review status: criteria provided, single submitter. Criteria: Invitae Variant Classification Sherloc (09022015). Collection method: clinical testing. Allele origin: germline.
Comment: This sequence change replaces lysine, which is basic and polar, with arginine, which is basic and polar, at codon 502 of the BRCA2 protein (p.Lys502Arg). This variant is not present in population databases (gnomAD no frequency). This variant has not been reported in the literature in individuals affected with BRCA2-related conditions. ClinVar contains an entry for this variant (Variation ID: 819409). Invitae Evidence Modeling of protein sequence and biophysical properties (such as structural, functional, and spatial information, amino acid conservation, physicochemical variation, residue mobility, and thermodynamic stability) indicates that this missense variant is not expected to disrupt BRCA2 protein function with a negative predictive value of 95%. In summary, the available evidence is currently insufficient to determine the role of this variant in disease. Therefore, it has been classified as a Variant of Uncertain Significance.

Ambry Genetics
Classification: Likely benign for Hereditary cancer-predisposing syndrome. Last evaluated: 2025-06-05. Review status: criteria provided, single submitter. Criteria: Ambry Variant Classification Scheme 2023. Collection method: clinical testing. Allele origin: germline.

University of Washington Department of Laboratory Medicine, University of Washington
Classification: Likely benign for Hereditary cancer-predisposing syndrome. Last evaluated: 2023-03-23. Review status: criteria provided, single submitter. Criteria: Dines et al. (Genet Med. 2020). Collection method: curation. Allele origin: germline.
Comment: Missense variant in a coldspot region where missense variants are very unlikely to be pathogenic (PMID:31911673).

BRCA2 exon 10 coldspot. Reclassification based on statistical prior probability.